The following is an entry in ClinVar:

NM_001134363.3(RBM20):c.2410G>A (p.Glu804Lys)

Gene: RBM20 (RNA binding motif protein 20; plus strand). Cytogenetic location: 10q25.2.
Variant type: single nucleotide variant.
Coding change: c.2410G>A on transcript NM_001134363.3 (MANE Select); coding-DNA position 2410, G replaced by A.
Protein change: p.Glu804Lys; replaces glutamic acid 804 with lysine.
Molecular consequence: missense variant.
Genome position (GRCh38, 1-based): chr10:110,812,807, G>A. VCF-style: chr10-110812807-G-A. GRCh37 (hg19) VCF-style: chr10-112572565-G-A.
Other names: short protein forms E804K.
Identifiers: ClinVar variation 1439812 (VCV001439812.8), dbSNP rs957248353, ClinGen allele CA213224349.

ClinVar aggregate classification (germline): Conflicting classifications of pathogenicity. Review status: criteria provided, conflicting classifications (1 of 4 stars). 2 submissions from 2 submitters: Uncertain significance (1); Likely benign (1). Last evaluated 2026-01-20.

Conditions:
Dilated cardiomyopathy 1DD (CMD1DD). Identifiers: Orphanet 154, MedGen C2750995, MONDO:0013168, OMIM 613172.

Allele frequency attached by ClinVar (database versions not stated): gnomAD 0.00001; gnomAD exomes 0.00002; TOPMed 0.00002.
gnomAD v4.1: 12 of 1,550,566 alleles (0.00077%); highest among the groups gnomAD compares: Admixed American, 0.018%; no homozygotes.

Submissions (2):

Labcorp Genetics (formerly Invitae), Labcorp
Classification: Likely benign for Dilated cardiomyopathy 1DD. Last evaluated: 2026-01-20. Review status: criteria provided, single submitter. Criteria: Invitae Variant Classification Sherloc (09022015). Collection method: clinical testing. Allele origin: germline.

Center for Genomics, Ann and Robert H. Lurie Children's Hospital of Chicago
Classification: Uncertain significance for Dilated cardiomyopathy 1DD. Last evaluated: 2021-03-30. Review status: criteria provided, single submitter. Criteria: ACMG Guidelines, 2015. Collection method: clinical testing. Allele origin: germline.
Comment: RBM20 NM_001134363.2 exon 9 p.Glu804Lys (c.2410G>A): This variant has not been reported in the literature and is present in 0.01% (3/25428) of Latino alleles in the Genome Aggregation Database. Evolutionary conservation and computational predictive tools suggest that this variant may not impact the protein. In summary, data on this variant is insufficient for disease classification. Therefore, the clinical significance of this variant is uncertain.